The following is an entry in ClinVar:

NM_144670.6(A2ML1):c.462+1G>T

Genes: A2ML1 (alpha-2-macroglobulin like 1; plus strand), A2ML1-AS1 (A2ML1 antisense RNA 1; minus strand). Cytogenetic location: 12p13.31.
Variant type: single nucleotide variant.
Coding change: c.462+1G>T on transcript NM_144670.6 (MANE Select); the canonical splice donor site of the intron after coding-DNA position 462, G replaced by T.
Molecular consequence: splice donor variant.
Genome position (GRCh38, 1-based): chr12:8,829,780, G>T. VCF-style: chr12-8829780-G-T. GRCh37 (hg19) VCF-style: chr12-8982376-G-T.
Identifiers: ClinVar variation 2173272 (VCV002173272.4), dbSNP rs530578859, ClinGen allele CA383820486.

ClinVar aggregate classification (germline): Uncertain significance (1 of 4 stars; one submission).

Submission:

Labcorp Genetics (formerly Invitae), Labcorp
Classification: Uncertain significance. Last evaluated: 2022-04-07. Review status: criteria provided, single submitter. Criteria: Invitae Variant Classification Sherloc (09022015). Collection method: clinical testing. Allele origin: germline.
Comment: This variant is not present in population databases (gnomAD no frequency). This sequence change affects a donor splice site in intron 4 of the A2ML1 gene. It is expected to disrupt RNA splicing. Variants that disrupt the donor or acceptor splice site typically lead to a loss of protein function (PMID: 16199547), however the current clinical and genetic evidence is not sufficient to establish whether loss-of-function variants in A2ML1 cause disease. This variant has not been reported in the literature in individuals affected with A2ML1-related conditions. In summary, the available evidence is currently insufficient to determine the role of this variant in disease. Therefore, it has been classified as a Variant of Uncertain Significance. Algorithms developed to predict the effect of sequence changes on RNA splicing suggest that this variant may disrupt the consensus splice site.

Literature cited by the submitters: PubMed 16199547.